The following is an entry in ClinVar:

ClinVar aggregate classification (germline): Uncertain significance. Review status: criteria provided, multiple submitters, no conflicts (2 of 4 stars). 2 submissions from 2 submitters: Uncertain significance (2). Last evaluated 2024-09-01.

Conditions:
Brugada syndrome 8 (BRGDA8). Identifiers: Orphanet 130, MedGen C2751083, MONDO:0013148, OMIM 613123.
Cardiovascular phenotype. Identifiers: MedGen CN230736.

Allele frequency attached by ClinVar (database versions not stated): gnomAD 0.00001.
gnomAD v4.1: 2 of 1,545,978 alleles (0.00013%); highest among the groups gnomAD compares: African/African-American, 0.0027%; no homozygotes.

Submissions (2):

Labcorp Genetics (formerly Invitae), Labcorp
Classification: Uncertain significance for Brugada syndrome 8. Last evaluated: 2024-09-01. Review status: criteria provided, single submitter. Criteria: Invitae Variant Classification Sherloc (09022015). Collection method: clinical testing. Allele origin: germline.
Comment: This sequence change replaces glutamine, which is neutral and polar, with histidine, which is basic and polar, at codon 1099 of the HCN4 protein (p.Gln1099His). This variant is present in population databases (no rsID available, gnomAD 0.02%). This variant has not been reported in the literature in individuals affected with HCN4-related conditions. ClinVar contains an entry for this variant (Variation ID: 2565015). Invitae Evidence Modeling of protein sequence and biophysical properties (such as structural, functional, and spatial information, amino acid conservation, physicochemical variation, residue mobility, and thermodynamic stability) indicates that this missense variant is not expected to disrupt HCN4 protein function with a negative predictive value of 95%. In summary, the available evidence is currently insufficient to determine the role of this variant in disease. Therefore, it has been classified as a Variant of Uncertain Significance.

Ambry Genetics
Classification: Uncertain significance for Cardiovascular phenotype. Last evaluated: 2023-05-27. Review status: criteria provided, single submitter. Criteria: Ambry Variant Classification Scheme 2023. Collection method: clinical testing. Allele origin: germline.
Comment: The p.Q1099H variant (also known as c.3297G>C), located in coding exon 8 of the HCN4 gene, results from a G to C substitution at nucleotide position 3297. The glutamine at codon 1099 is replaced by histidine, an amino acid with highly similar properties. This amino acid position is conserved. In addition, the in silico prediction for this alteration is inconclusive. Since supporting evidence is limited at this time, the clinical significance of this alteration remains unclear.

NM_005477.3(HCN4):c.3297G>C (p.Gln1099His)

Gene: HCN4 (hyperpolarization activated cyclic nucleotide gated potassium channel 4; minus strand). Cytogenetic location: 15q24.1.
Variant type: single nucleotide variant.
Coding change: c.3297G>C on transcript NM_005477.3 (MANE Select); coding-DNA position 3297, G replaced by C.
Protein change: p.Gln1099His; replaces glutamine 1099 with histidine.
Molecular consequence: missense variant.
Genome position (GRCh38, 1-based): chr15:73,322,796, C>G on the plus strand (G>C on the coding strand, the complement: HCN4 is on the minus strand). VCF-style: chr15-73322796-C-G. GRCh37 (hg19) VCF-style: chr15-73615137-C-G.
Other names: short protein forms Q1099H.
Identifiers: ClinVar variation 2565015 (VCV002565015.4), dbSNP rs1441417473, ClinGen allele CA393085733.